The following is an entry in ClinVar:

NM_000535.7(PMS2):c.171G>A (p.Lys57=)

Gene: PMS2 (PMS1 homolog 2, mismatch repair system component; minus strand). Cytogenetic location: 7p22.1.
Variant type: single nucleotide variant.
Coding change: c.171G>A on transcript NM_000535.7 (MANE Select); coding-DNA position 171, G replaced by A.
Protein change: p.Lys57=; no amino-acid change (lysine 57 retained).
Molecular consequence: synonymous variant. On other transcripts: 5 prime UTR variant (11), non-coding transcript variant (1).
Genome position (GRCh38, 1-based): chr7:6,004,051, C>T on the plus strand (G>A on the coding strand, the complement: PMS2 is on the minus strand). VCF-style: chr7-6004051-C-T. GRCh37 (hg19) VCF-style: chr7-6043682-C-T.
Other names: c.-235G>A (NM_001322003.2, NM_001322004.2, NM_001322005.2 and 3 more transcripts); c.171G>A, p.Lys57= (NM_001322006.2, NM_001322014.2); c.-45G>A (NM_001322007.2, NM_001322008.2); c.-714G>A (NM_001322011.2, NM_001322012.2); c.-314G>A (NM_001322015.2).
Identifiers: ClinVar variation 416554 (VCV000416554.15), dbSNP rs760031402, ClinGen allele CA045354.

ClinVar aggregate classification (germline): Benign/Likely benign. Review status: criteria provided, multiple submitters, no conflicts (2 of 4 stars). 3 submissions from 3 submitters: Benign (1); Likely benign (2). Last evaluated 2025-01-23.

Conditions:
Hereditary nonpolyposis colorectal neoplasms. Identifiers: MedGen C0009405, MeSH D003123.
Hereditary cancer-predisposing syndrome. Also called: Tumor predisposition; Neoplastic Syndromes, Hereditary; Hereditary neoplastic syndrome; Hereditary Cancer Syndrome. Identifiers: Orphanet 140162, MedGen C0027672, MeSH D009386, MONDO:0015356.
Lynch syndrome 4 (LYNCH4). Also called: Colorectal cancer, hereditary nonpolyposis, type 4; Hereditary non-polyposis colorectal cancer, type 4. Identifiers: Orphanet 144, MedGen C1838333, MONDO:0013699, OMIM 614337. Disease mechanism: loss of function.

Allele frequency attached by ClinVar (database versions not stated): gnomAD exomes below 0.00001; ExAC 0.00001.
gnomAD v4.1: 2 of 1,564,660 alleles (0.00013%); highest among the groups gnomAD compares: South Asian, 0.0011%; no homozygotes.

Submissions (3):

Myriad Genetics, Inc.
Classification: Benign for Lynch syndrome 4. Last evaluated: 2025-01-23. Review status: criteria provided, single submitter. Criteria: Myriad Autosomal Dominant, Autosomal Recessive and X-Linked Classification Criteria (2023). Collection method: clinical testing. Allele origin: unknown.
Comment: This variant is considered benign. This variant is a silent/synonymous amino acid change and it is not expected to impact splicing.

Ambry Genetics
Classification: Likely benign for Hereditary cancer-predisposing syndrome. Last evaluated: 2024-06-11. Review status: criteria provided, single submitter. Criteria: Ambry Variant Classification Scheme 2023. Collection method: clinical testing. Allele origin: germline.

Labcorp Genetics (formerly Invitae), Labcorp
Classification: Likely benign for Hereditary nonpolyposis colorectal neoplasms. Last evaluated: 2022-07-03. Review status: criteria provided, single submitter. Criteria: Invitae Variant Classification Sherloc (09022015). Collection method: clinical testing. Allele origin: germline.